The following is an entry in ClinVar:

ClinVar aggregate classification (germline): Uncertain significance. Review status: criteria provided, multiple submitters, no conflicts (2 of 4 stars). 2 submissions from 2 submitters: Uncertain significance (2). Last evaluated 2024-11-27.

Conditions:
Inborn genetic diseases. Identifiers: MedGen C0950123, MeSH D030342.

Submissions (2):

Labcorp Genetics (formerly Invitae), Labcorp
Classification: Uncertain significance. Last evaluated: 2024-11-27. Review status: criteria provided, single submitter. Criteria: Invitae Variant Classification Sherloc (09022015). Collection method: clinical testing. Allele origin: germline.
Comment: This sequence change replaces arginine, which is basic and polar, with histidine, which is basic and polar, at codon 369 of the NDUFV1 protein (p.Arg369His). This variant is present in population databases (rs767193537, gnomAD 0.003%). This variant has not been reported in the literature in individuals affected with NDUFV1-related conditions. ClinVar contains an entry for this variant (Variation ID: 2217682). Invitae Evidence Modeling of protein sequence and biophysical properties (such as structural, functional, and spatial information, amino acid conservation, physicochemical variation, residue mobility, and thermodynamic stability) has been performed for this missense variant. However, the output from this modeling did not meet the statistical confidence thresholds required to predict the impact of this variant on NDUFV1 protein function. In summary, the available evidence is currently insufficient to determine the role of this variant in disease. Therefore, it has been classified as a Variant of Uncertain Significance.

Ambry Genetics
Classification: Uncertain significance for Inborn genetic diseases. Last evaluated: 2021-09-01. Review status: criteria provided, single submitter. Criteria: Ambry Variant Classification Scheme 2023. Collection method: clinical testing. Allele origin: germline.

NM_007103.4(NDUFV1):c.1106G>A (p.Arg369His)

Genes: NDUFV1 (NADH:ubiquinone oxidoreductase core subunit V1; plus strand), LOC126861242 (CDK7 strongly-dependent group 2 enhancer GRCh37_chr11:67379204-67380403; plus strand). Cytogenetic location: 11q13.2.
Variant type: single nucleotide variant.
Coding change: c.1106G>A on transcript NM_007103.4 (MANE Select); coding-DNA position 1106, G replaced by A.
Protein change: p.Arg369His; replaces arginine 369 with histidine.
Molecular consequence: missense variant.
Genome position (GRCh38, 1-based): chr11:67,611,922, G>A. VCF-style: chr11-67611922-G-A. GRCh37 (hg19) VCF-style: chr11-67379393-G-A.
Other names: c.1079G>A, p.Arg360His (NM_001166102.2); short protein forms R369H, R360H.
Identifiers: ClinVar variation 2217682 (VCV002217682.4), dbSNP rs767193537, ClinGen allele CA6143408.